The following is an entry in ClinVar:

NM_017612.5(ZCCHC8):c.1454C>A (p.Thr485Asn)

Gene: ZCCHC8 (zinc finger CCHC-type containing 8; minus strand). Cytogenetic location: 12q24.31.
Variant type: single nucleotide variant.
Coding change: c.1454C>A on transcript NM_017612.5 (MANE Select); coding-DNA position 1454, C replaced by A.
Protein change: p.Thr485Asn; replaces threonine 485 with asparagine.
Molecular consequence: missense variant.
Genome position (GRCh38, 1-based): chr12:122,474,167, G>T on the plus strand (C>A on the coding strand, the complement: ZCCHC8 is on the minus strand). VCF-style: chr12-122474167-G-T. GRCh37 (hg19) VCF-style: chr12-122958714-G-T.
Other names: c.1223C>A, p.Thr408Asn (NM_001350935.2); c.1157C>A, p.Thr386Asn (NM_001350936.2); c.740C>A, p.Thr247Asn (NM_001350937.2, NM_001350938.2); short protein forms T247N, T408N, T485N, T386N.
Identifiers: ClinVar variation 4771555 (VCV004771555.1).

ClinVar aggregate classification (germline): Uncertain significance (1 of 4 stars; one submission).

gnomAD v4.1: 2 of 1,516,664 alleles (0.00013%); highest among the groups gnomAD compares: Non-Finnish European, 0.00018%; no homozygotes.

Submission:

Labcorp Genetics (formerly Invitae), Labcorp
Classification: Uncertain significance. Last evaluated: 2025-02-16. Review status: criteria provided, single submitter. Criteria: Invitae Variant Classification Sherloc (09022015). Collection method: clinical testing. Allele origin: germline.
Comment: This sequence change replaces threonine, which is neutral and polar, with asparagine, which is neutral and polar, at codon 485 of the ZCCHC8 protein (p.Thr485Asn). This variant is not present in population databases (gnomAD no frequency). This variant has not been reported in the literature in individuals affected with ZCCHC8-related conditions. Invitae Evidence Modeling of protein sequence and biophysical properties (such as structural, functional, and spatial information, amino acid conservation, physicochemical variation, residue mobility, and thermodynamic stability) indicates that this missense variant is not expected to disrupt ZCCHC8 protein function with a negative predictive value of 80%. In summary, the available evidence is currently insufficient to determine the role of this variant in disease. Therefore, it has been classified as a Variant of Uncertain Significance.